The following is an entry in ClinVar:

NM_024334.3(TMEM43):c.507C>A (p.Asn169Lys)

Gene: TMEM43 (transmembrane protein 43; plus strand). Cytogenetic location: 3p25.1.
Variant type: single nucleotide variant.
Coding change: c.507C>A on transcript NM_024334.3 (MANE Select); coding-DNA position 507, C replaced by A.
Protein change: p.Asn169Lys; replaces asparagine 169 with lysine.
Molecular consequence: missense variant.
Genome position (GRCh38, 1-based): chr3:14,132,930, C>A. VCF-style: chr3-14132930-C-A. GRCh37 (hg19) VCF-style: chr3-14174430-C-A.
Other names: c.510C>A, p.Asn170Lys (NM_001407274.1); c.507C>A, p.Asn169Lys (NM_001407275.1, NM_001407276.1, NM_001407277.1 and 1 more transcripts); c.492C>A, p.Asn164Lys (NM_001407278.1); c.357C>A, p.Asn119Lys (NM_001407280.1); short protein forms N119K, N164K, N169K, N170K.
Identifiers: ClinVar variation 3072591 (VCV003072591.1), dbSNP rs1190919354, ClinGen allele CA351535242.

ClinVar aggregate classification (germline): Uncertain significance (1 of 4 stars; one submission).

Conditions:
Arrhythmogenic right ventricular dysplasia 5. Also called: Arrhythmogenic Right Ventricular Dysplasia/Cardiomyopathy 5; ARRHYTHMOGENIC RIGHT VENTRICULAR DYSPLASIA, FAMILIAL, 5. Identifiers: MedGen C1858379, MONDO:0011459, OMIM 604400.

Submission:

All of Us Research Program, National Institutes of Health
Classification: Uncertain significance for Arrhythmogenic right ventricular dysplasia 5. Last evaluated: 2023-08-08. Review status: criteria provided, single submitter. Criteria: ACMG Guidelines, 2015. Collection method: clinical testing. Allele origin: germline. Inheritance: Autosomal dominant inheritance. Observed: 1 variant allele, 1 heterozygote.
Comment: This missense variant replaces asparagine with lysine at codon 169 of the TMEM43 protein. Computational prediction is inconclusive regarding the impact of this variant on protein structure and function (internally defined REVEL score threshold 0.5 < inconclusive < 0.7, PMID: 27666373). To our knowledge, functional studies have not been reported for this variant. This variant has not been reported in individuals affected with TMEM43-related disorders in the literature. This variant has not been identified in the general population by the Genome Aggregation Database (gnomAD). The available evidence is insufficient to determine the role of this variant in disease conclusively. Therefore, this variant is classified as a Variant of Uncertain Significance.

This study involves interpretation of variants in research participants for the purpose of population health screening. Participant phenotype was not available at the time of variant classification. Additional details can be found in publication PMID: 35346344, PMCID: PMC8962531